The following is an entry in ClinVar:

NM_001374828.1(ARID1B):c.1328dup (p.Ser444fs)

Gene: ARID1B (AT-rich interaction domain 1B; plus strand). Cytogenetic location: 6q25.3.
Variant type: Duplication.
Coding change: c.1328dup on transcript NM_001374828.1 (MANE Select); coding-DNA position 1328, one base duplicated (G; older notation c.1328dupG).
Protein change: p.Ser444fs; shifts the reading frame from serine 444.
Molecular consequence: frameshift variant.
Genome position (GRCh38, 1-based): chr6:156,779,008, G duplicated; the last of 5 consecutive G bases (chr6:156,779,004-156,779,008); duplicating any one gives the same sequence. VCF-style (leftmost placement, unchanged base first): chr6-156779003-T-TG. GRCh37 (hg19) VCF-style: chr6-157100137-T-TG.
Other names: c.1079dupG (NM_020732.3); c.1079dup (NM_020732.3); c.1328dup, p.Ser444fs (NM_001371656.1, NM_001374820.1, NM_017519.3); short protein forms S444fs.
Identifiers: ClinVar variation 418947 (VCV000418947.3), dbSNP rs1289468231, ClinGen allele CA16618260.

ClinVar aggregate classification (germline): Pathogenic (1 of 4 stars; one submission).

Submission:

GeneDx
Classification: Pathogenic. Last evaluated: 2023-07-06. Review status: criteria provided, single submitter. Criteria: GeneDx Variant Classification Process June 2021. Collection method: clinical testing. Allele origin: germline. Affected: yes.
Comment: Frameshift variant predicted to result in protein truncation or nonsense mediated decay in a gene for which loss of function is a known mechanism of disease; Not observed at significant frequency in large population cohorts (gnomAD); This variant is associated with the following publications: (PMID: 31526516)